The following is an entry in ClinVar:

ClinVar aggregate classification (germline): Benign/Likely benign. Review status: criteria provided, multiple submitters, no conflicts (2 of 4 stars). 5 submissions from 5 submitters: Benign (2); Likely benign (2). 1 of the submissions does not count toward it. Last evaluated 2026-01-05.

Conditions:
FAT1-related disorder. Also called: FAT1-related condition.

Allele frequency attached by ClinVar (database versions not stated): gnomAD exomes 0.00014 and 0.00032; ExAC 0.00040; 1000 Genomes Project 30x 0.00141; TOPMed 0.00144; ESP Exome Variant Server 0.00149; 1000 Genomes Project 0.00160.
gnomAD v4.1: 396 of 1,613,930 alleles (0.025%); highest among the groups gnomAD compares: African/African-American, 0.47%; no homozygotes.

Submissions (6):

Labcorp Genetics (formerly Invitae), Labcorp
Classification: Benign. Last evaluated: 2026-01-05. Review status: criteria provided, single submitter. Criteria: Invitae Variant Classification Sherloc (09022015). Collection method: clinical testing. Allele origin: germline.

Mayo Clinic Laboratories, Mayo Clinic
Classification: Likely benign. Last evaluated: 2025-09-27. Review status: criteria provided, single submitter. Criteria: ACMG Guidelines, 2015. Collection method: clinical testing. Allele origin: germline. Observed: 1 variant allele.
Comment: BS1, BP4, BP7

Blueprint Genetics
Classification: Likely benign. Last evaluated: 2024-10-31. Review status: criteria provided, single submitter. Criteria: ACMG Guidelines, 2015. Collection method: clinical testing. Allele origin: germline.

Breakthrough Genomics
Classification: Benign. Review status: criteria provided, single submitter. Criteria: ACMG Guidelines, 2015. Collection method: not provided. Allele origin: germline. Inheritance: Unknown mechanism. Affected: yes.

PreventionGenetics, part of Exact Sciences
Classification: Likely benign for FAT1-related condition. Last evaluated: 2021-04-19. Review status: no assertion criteria provided. Collection method: clinical testing. Allele origin: germline. Not counted in ClinVar's aggregate classification.
Comment: This variant is classified as likely benign based on ACMG/AMP sequence variant interpretation guidelines (Richards et al. 2015 PMID: 25741868, with internal and published modifications).

Dr. Peter K. Rogan Lab, Western University
No classification provided (evidence only). Condition: Ovarian serous cystadenocarcinoma. Review status: no classification provided. Collection method: in vitro. Allele origin: not applicable. Functional consequence: retained intron. Not counted in ClinVar's aggregate classification.

NM_005245.4(FAT1):c.12186C>G (p.Leu4062=)

Gene: FAT1 (FAT atypical cadherin 1; minus strand). Cytogenetic location: 4q35.2.
Variant type: single nucleotide variant.
Coding change: c.12186C>G on transcript NM_005245.4 (MANE Select); coding-DNA position 12186, C replaced by G.
Protein change: p.Leu4062=; no amino-acid change (leucine 4062 retained).
Molecular consequence: synonymous variant.
Genome position (GRCh38, 1-based): chr4:186,598,043, G>C on the plus strand (C>G on the coding strand, the complement: FAT1 is on the minus strand). VCF-style: chr4-186598043-G-C. GRCh37 (hg19) VCF-style: chr4-187519197-G-C.
Other names: p.Leu4062=.
Identifiers: ClinVar variation 738421 (VCV000738421.15), dbSNP rs143744017, ClinGen allele CA3164912.